The following is an entry in ClinVar:

ClinVar aggregate classification (germline): Uncertain significance. Review status: criteria provided, multiple submitters, no conflicts (2 of 4 stars). 6 submissions from 6 submitters: Uncertain significance (6). Last evaluated 2026-01-01.

Conditions:
Combined oxidative phosphorylation defect type 14. Also called: Combined oxidative phosphorylation deficiency 14. Identifiers: Orphanet 319519, MedGen C4755312, MONDO:0013986, OMIM 614946.
Inborn genetic diseases. Identifiers: MedGen C0950123, MeSH D030342.

Allele frequency attached by ClinVar (database versions not stated): gnomAD 0.00007 and 0.00009; ESP Exome Variant Server 0.00008; gnomAD exomes 0.00008 and 0.00022; TOPMed 0.00008; ExAC 0.00011.
gnomAD v4.1: 335 of 1,611,726 alleles (0.021%); highest among the groups gnomAD compares: Non-Finnish European, 0.027%; no homozygotes.

Submissions (6):

CeGaT Center for Human Genetics Tuebingen
Classification: Uncertain significance. Last evaluated: 2026-01-01. Review status: criteria provided, single submitter. Criteria: CeGaT Center For Human Genetics Tuebingen Variant Classification Criteria Version 2. Collection method: clinical testing. Allele origin: germline. Affected: yes. Observed: 1 variant allele.
Comment: FARS2: PM2, BP4

Mayo Clinic Laboratories, Mayo Clinic
Classification: Uncertain significance. Last evaluated: 2025-10-12. Review status: criteria provided, single submitter. Criteria: ACMG Guidelines, 2015. Collection method: clinical testing. Allele origin: germline. Observed: 1 variant allele.
Comment: BP4, PM2_supporting

Labcorp Genetics (formerly Invitae), Labcorp
Classification: Uncertain significance for Combined oxidative phosphorylation defect type 14. Last evaluated: 2025-10-10. Review status: criteria provided, single submitter. Criteria: Invitae Variant Classification Sherloc (09022015). Collection method: clinical testing. Allele origin: germline.
Comment: This sequence change replaces leucine, which is neutral and non-polar, with phenylalanine, which is neutral and non-polar, at codon 357 of the FARS2 protein (p.Leu357Phe). This variant is present in population databases (rs370983000, gnomAD 0.02%). This variant has not been reported in the literature in individuals affected with FARS2-related conditions. ClinVar contains an entry for this variant (Variation ID: 540537). Invitae Evidence Modeling of protein sequence and biophysical properties (such as structural, functional, and spatial information, amino acid conservation, physicochemical variation, residue mobility, and thermodynamic stability) indicates that this missense variant is not expected to disrupt FARS2 protein function with a negative predictive value of 80%. In summary, the available evidence is currently insufficient to determine the role of this variant in disease. Therefore, it has been classified as a Variant of Uncertain Significance.

Ambry Genetics
Classification: Uncertain significance for Inborn genetic diseases. Last evaluated: 2025-10-06. Review status: criteria provided, single submitter. Criteria: Ambry Variant Classification Scheme 2023. Collection method: clinical testing. Allele origin: germline.

Blueprint Genetics
Classification: Uncertain significance. Last evaluated: 2024-03-22. Review status: criteria provided, single submitter. Criteria: ACMG Guidelines, 2015. Collection method: clinical testing. Allele origin: germline.

GeneDx
Classification: Uncertain significance. Last evaluated: 2022-05-12. Review status: criteria provided, single submitter. Criteria: GeneDx Variant Classification Process June 2021. Collection method: clinical testing. Allele origin: germline. Affected: yes.
Comment: In silico analysis supports that this missense variant does not alter protein structure/function; Has not been previously published as pathogenic or benign to our knowledge; This variant is associated with the following publications: (PMID: 27535533)

NM_006567.5(FARS2):c.1069C>T (p.Leu357Phe)

Gene: FARS2 (phenylalanyl-tRNA synthetase 2, mitochondrial; plus strand). Cytogenetic location: 6p25.1.
Variant type: single nucleotide variant.
Coding change: c.1069C>T on transcript NM_006567.5 (MANE Select); coding-DNA position 1069, C replaced by T.
Protein change: p.Leu357Phe; replaces leucine 357 with phenylalanine.
Molecular consequence: missense variant.
Genome position (GRCh38, 1-based): chr6:5,613,172, C>T. VCF-style: chr6-5613172-C-T. GRCh37 (hg19) VCF-style: chr6-5613405-C-T.
Other names: p.Leu357Phe; c.1069C>T, p.Leu357Phe (NM_001318872.2, NM_001374875.1, NM_001374876.1 and 4 more transcripts); c.937C>T, p.Leu313Phe (NM_001375258.1); c.373C>T, p.Leu125Phe (NM_001375259.1, NM_001375260.1); short protein forms L357F, L125F, L313F.
Identifiers: ClinVar variation 540537 (VCV000540537.19), dbSNP rs370983000, ClinGen allele CA3623881.